The following is an entry in ClinVar:

NM_001943.5(DSG2):c.1303G>A (p.Asp435Asn)

Gene: DSG2 (desmoglein 2; plus strand). Cytogenetic location: 18q12.1.
Variant type: single nucleotide variant.
Coding change: c.1303G>A on transcript NM_001943.5 (MANE Select); coding-DNA position 1303, G replaced by A.
Protein change: p.Asp435Asn; replaces aspartic acid 435 with asparagine.
Molecular consequence: missense variant.
Genome position (GRCh38, 1-based): chr18:31,535,292, G>A. VCF-style: chr18-31535292-G-A. GRCh37 (hg19) VCF-style: chr18-29115255-G-A.
Other names: p.D435N:GAT>AAT; short protein forms D435N.
Identifiers: ClinVar variation 179011 (VCV000179011.31), dbSNP rs370509593, ClinGen allele CA021337.

ClinVar aggregate classification (germline): Conflicting classifications of pathogenicity. Review status: criteria provided, conflicting classifications (1 of 4 stars). 12 submissions from 12 submitters: Uncertain significance (1); Benign (5); Likely benign (3). 3 of the submissions do not count toward it. Last evaluated 2026-01-20.

Conditions:
DSG2-related disorder. Also called: DSG2-related condition.
Cardiovascular phenotype. Identifiers: MedGen CN230736.
Arrhythmogenic right ventricular dysplasia 10. Also called: ARRHYTHMOGENIC RIGHT VENTRICULAR DYSPLASIA, FAMILIAL, 10; Arrhythmogenic Right Ventricular Dysplasia/Cardiomyopathy10; Arrhythmogenic right ventricular dysplasia/cardiomyopathy, type 10. Identifiers: MedGen C1857777, MONDO:0012434, OMIM 610193.
Cardiomyopathy (CMYO). Also called: Cardiomyopathies. Identifiers: Orphanet 167848, MedGen C0878544, MONDO:0004994, HP:0001638. Inheritance: Various modes of inheritance.

Allele frequency attached by ClinVar (database versions not stated): gnomAD 0.00003 and 0.00027; ESP Exome Variant Server 0.00009; TOPMed 0.00010; 1000 Genomes Project 30x 0.00047; 1000 Genomes Project 0.00060.

Submissions (12):

Labcorp Genetics (formerly Invitae), Labcorp
Classification: Benign for Arrhythmogenic right ventricular dysplasia 10. Last evaluated: 2026-01-20. Review status: criteria provided, single submitter. Criteria: Invitae Variant Classification Sherloc (09022015). Collection method: clinical testing. Allele origin: germline.

Ambry Genetics
Classification: Benign for Cardiovascular phenotype. Last evaluated: 2022-06-10. Review status: criteria provided, single submitter. Criteria: Ambry Variant Classification Scheme 2023. Collection method: clinical testing. Allele origin: germline.

CHEO Genetics Diagnostic Laboratory, Children's Hospital of Eastern Ontario
Classification: Benign for Cardiomyopathy. Last evaluated: 2020-09-10. Review status: criteria provided, single submitter. Criteria: ACMG Guidelines, 2015. Collection method: clinical testing. Allele origin: germline. Study: Canadian Open Genetics Repository.

GeneDx
Classification: Benign. Last evaluated: 2019-03-28. Review status: criteria provided, single submitter. Criteria: GeneDx Variant Classification Process June 2021. Collection method: clinical testing. Allele origin: germline. Affected: yes.
Comment: This variant is associated with the following publications: (PMID: 21606396)

Color Diagnostics, LLC DBA Color Health
Classification: Benign for Cardiomyopathy. Last evaluated: 2018-11-11. Review status: criteria provided, single submitter. Criteria: ACMG Guidelines, 2015. Collection method: clinical testing. Allele origin: germline.

Illumina Laboratory Services, Illumina
Classification: Likely benign for Arrhythmogenic right ventricular dysplasia 10. Last evaluated: 2018-01-12. Review status: criteria provided, single submitter. Criteria: ICSL Variant Classification Criteria 13 December 2019. Collection method: clinical testing. Allele origin: germline.
Comment: This variant was observed in the ICSL laboratory as part of a predisposition screen in an ostensibly healthy population. It had not been previously curated by ICSL or reported in the Human Gene Mutation Database (HGMD: prior to June 1st, 2018), and was therefore a candidate for classification through an automated scoring system. Utilizing variant allele frequency, disease prevalence and penetrance estimates, and inheritance mode, an automated score was calculated to assess if this variant is too frequent to cause the disease. Based on the score and internal cut-off values, a variant classified as likely benign is not then subjected to further curation. The score for this variant resulted in a classification of likely benign for this disease.

Stanford Center for Inherited Cardiovascular Disease, Stanford University
Classification: Likely benign. Last evaluated: 2017-07-25. Review status: criteria provided, single submitter. Criteria: ACMG Guidelines, 2015. Collection method: provider interpretation. Allele origin: germline.

Laboratory for Molecular Medicine, Mass General Brigham Personalized Medicine
Classification: Likely benign. Last evaluated: 2015-06-04. Review status: criteria provided, single submitter. Criteria: LMM Criteria. Collection method: clinical testing. Allele origin: germline. Observed: 2 variant alleles.
Comment: p.Asp435Asn in exon 10 of DSG2: This variant is not expected to have clinical si gnificance because it has been identified in 0.7% (101/14182) of South Asian chr omosomes by the Exome Aggregation Consortium (ExAC, rg; dbSNP rs370509593).

Biesecker Lab/Clinical Genomics Section, National Institutes of Health
Classification: Uncertain significance. Last evaluated: 2013-06-24. Review status: criteria provided, single submitter. Criteria: Ng et al. (Circ Cardiovasc Genet. 2013). Collection method: research. Allele origin: unknown. Observed: 1 variant allele. Study: ClinSeq.
Comment: The study set was not selected for affection status in relation to any cancer. Pathogenicity categories were based on literature curation. See Pubmed ID:23861362 for details.

Medical sequencing

PreventionGenetics, part of Exact Sciences
Classification: Likely benign for DSG2-related condition. Last evaluated: 2024-07-29. Review status: no assertion criteria provided. Collection method: clinical testing. Allele origin: germline. Not counted in ClinVar's aggregate classification.
Comment: This variant is classified as likely benign based on ACMG/AMP sequence variant interpretation guidelines (Richards et al. 2015 PMID: 25741868, with internal and published modifications).

Clinical Genetics DNA and cytogenetics Diagnostics Lab, Erasmus MC, Erasmus Medical Center
Classification: Likely benign. Review status: no assertion criteria provided. Collection method: clinical testing. Allele origin: germline. Affected: yes. Study: VKGL Data-share Consensus. Not counted in ClinVar's aggregate classification.

Joint Genome Diagnostic Labs from Nijmegen and Maastricht, Radboudumc and MUMC+
Classification: Likely benign. Review status: no assertion criteria provided. Collection method: clinical testing. Allele origin: germline. Affected: yes. Study: VKGL Data-share Consensus. Not counted in ClinVar's aggregate classification.

Literature cited by the submitters: PubMed 21606396 (cited by Ambry Genetics and Laboratory for Molecular Medicine, Mass General Brigham Personalized Medicine); PubMed 23861362 (cited by Ambry Genetics); PubMed 25351510 (cited by Ambry Genetics); PubMed 28341588 (cited by Ambry Genetics); PubMed 29802319 (cited by Ambry Genetics).